The following is an entry in ClinVar:

NM_001126108.2(SLC12A3):c.1335+1G>A

Gene: SLC12A3 (solute carrier family 12 member 3; plus strand). Cytogenetic location: 16q13.
Variant type: single nucleotide variant.
Coding change: c.1335+1G>A on transcript NM_001126108.2 (MANE Select); the canonical splice donor site of the intron after coding-DNA position 1335, G replaced by A.
Molecular consequence: splice donor variant.
Genome position (GRCh38, 1-based): chr16:56,879,228, G>A. VCF-style: chr16-56879228-G-A. GRCh37 (hg19) VCF-style: chr16-56913140-G-A.
Other names: c.1335+1G>A (NM_000339.3); c.1332+1G>A (NM_001126107.2, NM_001410896.1).
Identifiers: ClinVar variation 1297510 (VCV001297510.9), dbSNP rs757471117, ClinGen allele CA395986469.
Genomic context (GRCh38, chr16:56,879,228, plus strand): 5'-AACTTCACCGAGTGCACCCAGCAGCACAGCTGCCACTACGGCCTCATCAACTATTACCAG[G>A]TACTGCCAGGAGAGCTGACCCACCAGACACAGTGGGGGCTGGGTGGAGGCTGCAGGGCCC-3'

ClinVar aggregate classification (germline): Likely pathogenic. Review status: criteria provided, multiple submitters, no conflicts (2 of 4 stars). 4 submissions from 4 submitters: Likely pathogenic (2). 2 of the submissions do not count toward it. Last evaluated 2023-10-17.

gnomAD v4.1: 5 of 1,613,760 alleles (0.00031%); highest among the groups gnomAD compares: African/African-American, 0.0053%; no homozygotes.

Submissions (4):

GeneDx
Classification: Likely pathogenic. Last evaluated: 2023-10-17. Review status: criteria provided, single submitter. Criteria: GeneDx Variant Classification Process June 2021. Collection method: clinical testing. Allele origin: germline.
Comment: Observed with a second variant (phase unknown) in a patient with clinical suspicion of Gitelman syndrome in published literature (Glaudemans et al., 2012); Canonical splice site variant predicted to result in a null allele in a gene for which loss-of-function is a known mechanism of disease; Not observed at significant frequency in large population cohorts (gnomAD); Different splice changes at this residue (c.1335+1G>T, c.1335+1G>C) have been reported the Human Gene Mutation Database (Stenson et al., 2014); This variant is associated with the following publications: (PMID: 22009145)

Labcorp Genetics (formerly Invitae), Labcorp
Classification: Likely pathogenic. Last evaluated: 2023-02-26. Review status: criteria provided, single submitter. Criteria: Invitae Variant Classification Sherloc (09022015). Collection method: clinical testing. Allele origin: germline.
Comment: Disruption of this splice site has been observed in individual(s) with Gitelman syndrome (PMID: 22009145). This variant is present in population databases (no rsID available, gnomAD 0.01%). This sequence change affects a donor splice site in intron 10 of the SLC12A3 gene. It is expected to disrupt RNA splicing. Variants that disrupt the donor or acceptor splice site typically lead to a loss of protein function (PMID: 16199547), and loss-of-function variants in SLC12A3 are known to be pathogenic (PMID: 20848653, 22009145, 25841442). ClinVar contains an entry for this variant (Variation ID: 1297510). In summary, the currently available evidence indicates that the variant is pathogenic, but additional data are needed to prove that conclusively. Therefore, this variant has been classified as Likely Pathogenic. Algorithms developed to predict the effect of sequence changes on RNA splicing suggest that this variant may disrupt the consensus splice site.

Clinical Genetics DNA and cytogenetics Diagnostics Lab, Erasmus MC, Erasmus Medical Center
Classification: Likely pathogenic. Review status: no assertion criteria provided. Collection method: clinical testing. Allele origin: germline. Affected: yes. Study: VKGL Data-share Consensus. Not counted in ClinVar's aggregate classification.

Joint Genome Diagnostic Labs from Nijmegen and Maastricht, Radboudumc and MUMC+
Classification: Pathogenic. Review status: no assertion criteria provided. Collection method: clinical testing. Allele origin: germline. Affected: yes. Study: VKGL Data-share Consensus. Not counted in ClinVar's aggregate classification.

Literature cited by the submitters: PubMed 22009145 (cited by Labcorp Genetics (formerly Invitae), Labcorp); PubMed 16199547 (cited by Labcorp Genetics (formerly Invitae), Labcorp); PubMed 20848653 (cited by Labcorp Genetics (formerly Invitae), Labcorp); PubMed 25841442 (cited by Labcorp Genetics (formerly Invitae), Labcorp).